The following is an entry in ClinVar:

NM_024496.4(IRF2BPL):c.507C>T (p.Ser169=)

Gene: IRF2BPL (interferon regulatory factor 2 binding protein like; minus strand). Cytogenetic location: 14q24.3.
Variant type: single nucleotide variant.
Coding change: c.507C>T on transcript NM_024496.4 (MANE Select); coding-DNA position 507, C replaced by T.
Protein change: p.Ser169=; no amino-acid change (serine 169 retained).
Molecular consequence: synonymous variant.
Genome position (GRCh38, 1-based): chr14:77,027,286, G>A on the plus strand (C>T on the coding strand, the complement: IRF2BPL is on the minus strand). VCF-style: chr14-77027286-G-A. GRCh37 (hg19) VCF-style: chr14-77493629-G-A.
Identifiers: ClinVar variation 2644398 (VCV002644398.25), dbSNP rs2503078069, ClinGen allele CA487507776.

ClinVar aggregate classification (germline): Likely benign. Review status: criteria provided, multiple submitters, no conflicts (2 of 4 stars). 2 submissions from 2 submitters: Likely benign (2). Last evaluated 2023-09-06.

Allele frequency attached by ClinVar (database versions not stated): gnomAD exomes below 0.00001.
gnomAD v4.1: 2 of 1,577,106 alleles (0.00013%); highest among the groups gnomAD compares: African/African-American, 0.0014%; no homozygotes.

Submissions (2):

Blueprint Genetics
Classification: Likely benign. Last evaluated: 2023-09-06. Review status: criteria provided, single submitter. Criteria: ACMG Guidelines, 2015. Collection method: clinical testing. Allele origin: germline.

CeGaT Center for Human Genetics Tuebingen
Classification: Likely benign. Last evaluated: 2022-10-01. Review status: criteria provided, single submitter. Criteria: CeGaT Center For Human Genetics Tuebingen Variant Classification Criteria Version 2. Collection method: clinical testing. Allele origin: germline. Affected: yes. Observed: 1 variant allele.
Comment: IRF2BPL: PM2:Supporting, BP4, BP7